The following is an entry in ClinVar:

ClinVar aggregate classification (germline): Uncertain significance. Review status: criteria provided, multiple submitters, no conflicts (2 of 4 stars). 8 submissions from 8 submitters: Uncertain significance (8). Last evaluated 2026-02-16.

Conditions:
Malignant hyperthermia, susceptibility to, 1 (MHS1). Also called: RYR1-Related Malignant Hyperthermia Susceptibility; Anesthesia related hyperthermia; Malignant hyperpyrexia; Fulminating hyperpyrexia; Pharmacogenic myopathy; Malignant hyperthermia suceptibility 1. Identifiers: Orphanet 423, MedGen C2930980, MONDO:0007783, OMIM 145600.
Congenital multicore myopathy with external ophthalmoplegia (CMYO1B). Also called: MULTIMINICORE DISEASE WITH EXTERNAL OPHTHALMOPLEGIA; MULTICORE MYOPATHY; Minicore myopathy with external ophthalmoplegia; Congenital myopathy 1B, autosomal recessive; Minicore myopathy. Identifiers: Orphanet 598, Orphanet 98905, MedGen C1850674, MONDO:0009712, OMIM 255320, HP:0003789.
King Denborough syndrome (KDS). Identifiers: MedGen C1840365, MONDO:0020485, OMIM 619542.
Central core myopathy (CMYO1A). Also called: CONGENITAL MYOPATHY 1A, AUTOSOMAL DOMINANT, WITH SUSCEPTIBILITY TO MALIGNANT HYPERTHERMIA; Central core disease; Myopathy, central fibrillar. Identifiers: Orphanet 597, MedGen C5830701, MONDO:0007294, OMIM 117000.
Congenital myopathy with fiber type disproportion. Also called: Congenital fiber-type disproportion myopathy; Congenital fiber-type disproportion. Identifiers: Orphanet 2020, MedGen C0546264, MONDO:0009711. Inheritance: all.
RYR1-related disorder. Also called: RYR1-related condition; RYR1-related disorders. Identifiers: MedGen CN239331.

Allele frequency attached by ClinVar (database versions not stated): TOPMed 0.00005.
gnomAD v4.1: 70 of 1,614,018 alleles (0.0043%); highest among the groups gnomAD compares: African/African-American, 0.013%; no homozygotes.

Submissions (8):

PreventionGenetics, part of Exact Sciences
Classification: Uncertain significance for RYR1-related condition. Last evaluated: 2026-02-16. Review status: criteria provided, single submitter. Criteria: ACMG Guidelines, 2015. Collection method: clinical testing. Allele origin: germline.
Comment: The RYR1 c.13565C>G variant is predicted to result in the amino acid substitution p.Pro4522Arg. To our knowledge, this variant has not been reported in the literature. This variant is reported in 0.012% of alleles in individuals of African descent in gnomAD. At this time, the clinical significance of this variant is uncertain due to the absence of conclusive functional and genetic evidence.

Labcorp Genetics (formerly Invitae), Labcorp
Classification: Uncertain significance for RYR1-related disorder. Last evaluated: 2024-11-08. Review status: criteria provided, single submitter. Criteria: Invitae Variant Classification Sherloc (09022015). Collection method: clinical testing. Allele origin: germline.
Comment: This sequence change replaces proline, which is neutral and non-polar, with arginine, which is basic and polar, at codon 4522 of the RYR1 protein (p.Pro4522Arg). This variant is present in population databases (rs145167688, gnomAD 0.01%). This variant has not been reported in the literature in individuals affected with RYR1-related conditions. ClinVar contains an entry for this variant (Variation ID: 650593). Invitae Evidence Modeling of protein sequence and biophysical properties (such as structural, functional, and spatial information, amino acid conservation, physicochemical variation, residue mobility, and thermodynamic stability) indicates that this missense variant is not expected to disrupt RYR1 protein function with a negative predictive value of 80%. In summary, the available evidence is currently insufficient to determine the role of this variant in disease. Therefore, it has been classified as a Variant of Uncertain Significance.

All of Us Research Program, National Institutes of Health
Classification: Uncertain significance for Malignant hyperthermia, susceptibility to, 1. Last evaluated: 2024-08-29. Review status: criteria provided, single submitter. Criteria: ACMG Guidelines, 2015. Collection method: clinical testing. Allele origin: germline. Inheritance: Autosomal dominant inheritance. Observed: 30 variant alleles, 30 heterozygotes.
Comment: This missense variant replaces proline with arginine at codon 4522 of the RYR1 protein. Computational prediction suggests that this variant may not impact protein structure and function (internally defined REVEL score threshold <= 0.5, PMID: 27666373). To our knowledge, functional studies have not been reported for this variant. This variant has not been reported in individuals affected with RYR1-related disorders in the literature. This variant has been identified in 13/280430 chromosomes in the general population by the Genome Aggregation Database (gnomAD). The available evidence is insufficient to determine the role of this variant in disease conclusively. Therefore, this variant is classified as a Variant of Uncertain Significance.

This study involves interpretation of variants in research participants for the purpose of population health screening. Participant phenotype was not available at the time of variant classification. Additional details can be found in publication PMID: 35346344, PMCID: PMC8962531

Revvity Omics, Revvity
Classification: Uncertain significance. Last evaluated: 2024-06-25. Review status: criteria provided, single submitter. Criteria: ACMG Guidelines, 2015. Collection method: clinical testing. Allele origin: germline.

Color Diagnostics, LLC DBA Color Health
Classification: Uncertain significance for Malignant hyperthermia, susceptibility to, 1. Last evaluated: 2024-04-18. Review status: criteria provided, single submitter. Criteria: ACMG Guidelines, 2015. Collection method: clinical testing. Allele origin: germline.
Comment: This missense variant replaces proline with arginine at codon 4522 of the RYR1 protein. Computational prediction suggests that this variant may not impact protein structure and function. To our knowledge, functional studies have not been reported for this variant. This variant has not been reported in individuals affected with RYR1-related disorders in the literature. This variant has been identified in 13/280430 chromosomes in the general population by the Genome Aggregation Database (gnomAD). The available evidence is insufficient to determine the role of this variant in disease conclusively. Therefore, this variant is classified as a Variant of Uncertain Significance.

CeGaT Center for Human Genetics Tuebingen
Classification: Uncertain significance. Last evaluated: 2023-02-01. Review status: criteria provided, single submitter. Criteria: CeGaT Center For Human Genetics Tuebingen Variant Classification Criteria Version 2. Collection method: clinical testing. Allele origin: germline. Affected: yes. Observed: 1 variant allele.
Comment: RYR1: PM2

GeneDx
Classification: Uncertain significance. Last evaluated: 2022-04-29. Review status: criteria provided, single submitter. Criteria: GeneDx Variant Classification Process June 2021. Collection method: clinical testing. Allele origin: germline. Affected: yes.
Comment: Not observed at significant frequency in large population cohorts (gnomAD); In silico analysis, which includes protein predictors and evolutionary conservation, supports that this variant does not alter protein structure/function; Has not been previously published as pathogenic or benign to our knowledge

Fulgent Genetics
Classification: Uncertain significance for Central core myopathy; Malignant hyperthermia, susceptibility to, 1; Congenital myopathy 4A, autosomal dominant; Congenital multicore myopathy with external ophthalmoplegia; King Denborough syndrome. Last evaluated: 2021-08-03. Review status: criteria provided, single submitter. Criteria: ACMG Guidelines, 2015. Collection method: clinical testing. Allele origin: unknown.

NM_000540.3(RYR1):c.13565C>G (p.Pro4522Arg)

Gene: RYR1 (ryanodine receptor 1; plus strand). Cytogenetic location: 19q13.2.
Variant type: single nucleotide variant.
Coding change: c.13565C>G on transcript NM_000540.3 (MANE Select); coding-DNA position 13565, C replaced by G.
Protein change: p.Pro4522Arg; replaces proline 4522 with arginine.
Molecular consequence: missense variant.
Genome position (GRCh38, 1-based): chr19:38,567,823, C>G. VCF-style: chr19-38567823-C-G. GRCh37 (hg19) VCF-style: chr19-39058463-C-G.
Other names: c.13550C>G, p.Pro4517Arg (NM_001042723.2); short protein forms P4517R, P4522R.
Identifiers: ClinVar variation 650593 (VCV000650593.57), dbSNP rs145167688, ClinGen allele CA060166.